The following is an entry in ClinVar:

NM_004370.6(COL12A1):c.9178C>T (p.Pro3060Ser)

Gene: COL12A1 (collagen type XII alpha 1 chain; minus strand). Cytogenetic location: 6q13.
Variant type: single nucleotide variant.
Coding change: c.9178C>T on transcript NM_004370.6 (MANE Select); coding-DNA position 9178, C replaced by T.
Protein change: p.Pro3060Ser; replaces proline 3060 with serine.
Molecular consequence: missense variant.
Genome position (GRCh38, 1-based): chr6:75,087,580, G>A on the plus strand (C>T on the coding strand, the complement: COL12A1 is on the minus strand). VCF-style: chr6-75087580-G-A. GRCh37 (hg19) VCF-style: chr6-75797296-G-A.
Other names: c.5686C>T, p.Pro1896Ser (NM_080645.3); short protein forms P1896S, P3060S.
Identifiers: ClinVar variation 2156736 (VCV002156736.4), dbSNP rs2533013906, ClinGen allele CA364732589.

ClinVar aggregate classification (germline): Uncertain significance (1 of 4 stars; one submission).

Conditions:
Ullrich congenital muscular dystrophy 2 (UCMD2). Identifiers: Orphanet 75840, MedGen C4225314, MONDO:0014654, OMIM 616470.
Bethlem myopathy 2 (BTHLM2). Identifiers: Orphanet 536516, Orphanet 610, MedGen C4225313, MONDO:0034022, OMIM 616471.

gnomAD v4.1: 5 of 1,613,718 alleles (0.00031%); highest among the groups gnomAD compares: South Asian, 0.0055%; no homozygotes.

Submission:

Labcorp Genetics (formerly Invitae), Labcorp
Classification: Uncertain significance for Bethlem myopathy 2; Ullrich congenital muscular dystrophy 2. Last evaluated: 2024-06-07. Review status: criteria provided, single submitter. Criteria: Invitae Variant Classification Sherloc (09022015). Collection method: clinical testing. Allele origin: germline.
Comment: This sequence change replaces proline, which is neutral and non-polar, with serine, which is neutral and polar, at codon 3060 of the COL12A1 protein (p.Pro3060Ser). This variant is not present in population databases (gnomAD no frequency). This variant has not been reported in the literature in individuals affected with COL12A1-related conditions. ClinVar contains an entry for this variant (Variation ID: 2156736). An algorithm developed to predict the effect of missense changes on protein structure and function (PolyPhen-2) suggests that this variant is likely to be disruptive. In summary, the available evidence is currently insufficient to determine the role of this variant in disease. Therefore, it has been classified as a Variant of Uncertain Significance.